The following is an entry in ClinVar:

NM_001533.3(HNRNPL):c.881-1096C>T

Gene: HNRNPL (heterogeneous nuclear ribonucleoprotein L; minus strand). Cytogenetic location: 19q13.2.
Variant type: single nucleotide variant.
Coding change: c.881-1096C>T on transcript NM_001533.3 (MANE Select); 1096 bases into the intron before coding-DNA position 881, C replaced by T.
Molecular consequence: intron variant.
Genome position (GRCh38, 1-based): chr19:38,841,655, G>A on the plus strand (C>T on the coding strand, the complement: HNRNPL is on the minus strand). VCF-style: chr19-38841655-G-A. GRCh37 (hg19) VCF-style: chr19-39332295-G-A.
Other names: NM_001533.3:c.881-1096C>T; c.482-1096C>T (NM_001005335.2); c.881-1096C>T (NM_001385651.1).
Identifiers: ClinVar variation 4070933 (VCV004070933.1).

ClinVar aggregate classification (germline): Uncertain significance (1 of 4 stars; one submission).

Conditions:
Neuromuscular disease. Also called: Neuromuscular disorder; Neuromyopathy. Identifiers: Orphanet 68381, MedGen C0027868, MeSH D009468, MONDO:0019056.

Submission:

Broad Center for Mendelian Genomics, Broad Institute of MIT and Harvard
Classification: Uncertain significance for Neuromuscular disease. Last evaluated: 2025-07-18. Review status: criteria provided, single submitter. Criteria: ACMG Guidelines, 2015. Collection method: curation. Allele origin: germline. Inheritance: Autosomal dominant inheritance. Study: GREGoR Consortium.
Comment: While this gene is still lacking sufficient evidence to establish a gene-disease relationship, we believe this is a possible novel gene candidate for neuromuscular disease. Given the limited information about this gene-disease relationship, the significance of the c.881-1096C>T variant is uncertain. If you have any additional information about functional evidence or other individuals with this phenotype that also have variants in HNRNPL we encourage you to reach out to us.